The following is an entry in ClinVar:

ClinVar aggregate classification (germline): Uncertain significance. Review status: criteria provided, multiple submitters, no conflicts (2 of 4 stars). 5 submissions from 5 submitters: Uncertain significance (4). 1 of the submissions does not count toward it. Last evaluated 2021-09-02.

Conditions:
Autosomal recessive limb-girdle muscular dystrophy type 2A (LGMDR1). Also called: Calpainopathy; MUSCULAR DYSTROPHY, PELVOFEMORAL; Limb-girdle muscular dystrophy, type 2A; Muscular dystrophy, limb-girdle, type 2A, Amish; LEYDEN-MOEBIUS MUSCULAR DYSTROPHY. Identifiers: Orphanet 267, MedGen C1869123, MONDO:0009675, OMIM 253600. Disease mechanism: loss of function.

Allele frequency attached by ClinVar (database versions not stated): ExAC 0.00002; gnomAD 0.00003 and 0.00004; TOPMed 0.00003; gnomAD exomes 0.00004 and 0.00009.
gnomAD v4.1: 141 of 1,613,942 alleles (0.0087%); highest among the groups gnomAD compares: Non-Finnish European, 0.011%; no homozygotes.

Submissions (5):

Labcorp Genetics (formerly Invitae), Labcorp
Classification: Uncertain significance for Autosomal recessive limb-girdle muscular dystrophy type 2A. Last evaluated: 2021-09-02. Review status: criteria provided, single submitter. Criteria: Invitae Variant Classification Sherloc (09022015). Collection method: clinical testing. Allele origin: germline.
Comment: This sequence change falls in intron 20 of the CAPN3 gene. It does not directly change the encoded amino acid sequence of the CAPN3 protein. It affects a nucleotide within the consensus splice site of the intron. This variant is present in population databases (rs771917810, ExAC 0.004%). This variant has been observed in individual(s) with clinical features of limb-girdle muscular dystrophy (PMID: 30564623). ClinVar contains an entry for this variant (Variation ID: 286238). Variants that disrupt the consensus splice site are a relatively common cause of aberrant splicing (PMID: 17576681, 9536098). Algorithms developed to predict the effect of sequence changes on RNA splicing suggest that this variant is not likely to affect RNA splicing. In summary, the available evidence is currently insufficient to determine the role of this variant in disease. Therefore, it has been classified as a Variant of Uncertain Significance.

Baylor Genetics
Classification: Uncertain significance for Autosomal recessive limb-girdle muscular dystrophy type 2A. Last evaluated: 2020-01-16. Review status: criteria provided, single submitter. Criteria: ACMG Guidelines, 2015. Collection method: clinical testing. Allele origin: unknown. Affected: yes.
Comment: This variant was determined to be of uncertain significance according to ACMG Guidelines, 2015 [PMID:25741868].

Athena Diagnostics
Classification: Uncertain significance. Last evaluated: 2017-11-29. Review status: criteria provided, single submitter. Criteria: Athena Diagnostics Criteria. Collection method: clinical testing. Allele origin: germline.

Eurofins Ntd Llc (ga)
Classification: Uncertain significance. Last evaluated: 2016-12-13. Review status: criteria provided, single submitter. Criteria: EGL Classification Definitions 2015. Collection method: clinical testing. Allele origin: germline. Observed: 2 variant alleles, 2 heterozygotes.

Natera, Inc.
Classification: Uncertain significance for Limb-girdle muscular dystrophy type 2A. Last evaluated: 2020-03-13. Review status: no assertion criteria provided. Collection method: clinical testing. Allele origin: germline. Not counted in ClinVar's aggregate classification.

Literature cited by the submitters: PubMed 30564623 (cited by Labcorp Genetics (formerly Invitae), Labcorp); PubMed 17576681 (cited by Labcorp Genetics (formerly Invitae), Labcorp); PubMed 9536098 (cited by Labcorp Genetics (formerly Invitae), Labcorp).

NM_000070.3(CAPN3):c.2184+3G>A

Gene: CAPN3 (calpain 3; plus strand). Cytogenetic location: 15q15.1.
Variant type: single nucleotide variant.
Coding change: c.2184+3G>A on transcript NM_000070.3 (MANE Select); 3 bases into the intron after coding-DNA position 2184, G replaced by A.
Molecular consequence: intron variant.
Genome position (GRCh38, 1-based): chr15:42,410,499, G>A. VCF-style: chr15-42410499-G-A. GRCh37 (hg19) VCF-style: chr15-42702697-G-A.
Other names: c.2166+3G>A (NM_024344.2); c.1908+3G>A (NM_173087.2); c.648+3G>A (NM_173088.2); c.189+3G>A (NM_173090.2, NM_173089.2).
Identifiers: ClinVar variation 286238 (VCV000286238.10), dbSNP rs771917810, ClinGen allele CA7511753.
Genomic context (GRCh38, chr15:42,410,499, plus strand): 5'-TGGAAAGCTCAACCTGCAGGAGTTCCACCACCTCTGGAACAAGATTAAGGCCTGGCAGGT[G>A]GGAAGAGAAAATGAAGCGTGGGAGTCAAGAATGGGGTTGATTTGGAGATTCAGTGTGTGA-3'